The following is an entry in ClinVar:

NM_001203.3(BMPR1B):c.988C>T (p.His330Tyr)

Gene: BMPR1B (bone morphogenetic protein receptor type 1B; plus strand). Cytogenetic location: 4q22.3.
Variant type: single nucleotide variant.
Coding change: c.988C>T on transcript NM_001203.3 (MANE Select); coding-DNA position 988, C replaced by T.
Protein change: p.His330Tyr; replaces histidine 330 with tyrosine.
Molecular consequence: missense variant.
Genome position (GRCh38, 1-based): chr4:95,131,424, C>T. VCF-style: chr4-95131424-C-T. GRCh37 (hg19) VCF-style: chr4-96052575-C-T.
Other names: c.988C>T, p.His330Tyr (NM_001256792.2, NM_001256794.1); c.1078C>T, p.His360Tyr (NM_001256793.2); short protein forms H330Y, H360Y.
Identifiers: ClinVar variation 689613 (VCV000689613.2), dbSNP rs1177728492, ClinGen allele CA357682473.

ClinVar aggregate classification (germline): Likely pathogenic (1 of 4 stars; one submission).

Conditions:
Acromesomelic dysplasia 3 (AMD3). Also called: Acromesomelic dysplasia, Demirhan type; CHONDRODYSPLASIA, ACROMESOMELIC, WITH OR WITHOUT GENITAL ANOMALIES. Identifiers: MedGen C4225404, MONDO:0012274, OMIM 609441.

Allele frequency attached by ClinVar (database versions not stated): gnomAD 0.00001; TOPMed 0.00002.
gnomAD v4.1: 2 of 1,613,886 alleles (0.00012%); highest among the groups gnomAD compares: African/African-American, 0.0013%; no homozygotes.

Submission:

HudsonAlpha Institute for Biotechnology
Classification: Likely pathogenic for Acromesomelic dysplasia 3. Last evaluated: 2019-02-14. Review status: criteria provided, single submitter. Criteria: ACMG Guidelines, 2015. Collection method: research. Allele origin: inherited. Affected: yes. Observed: 1 variant allele. Study: CSER-SouthSeq.
Comment: ACMG codes: PM2, PP3, PP4